The following is an entry in ClinVar:

NM_001198800.3(ASCC1):c.380_381del (p.Phe127fs)

Gene: ASCC1 (activating signal cointegrator 1 complex subunit 1; minus strand). Cytogenetic location: 10q22.1.
Variant type: Deletion.
Coding change: c.380_381del on transcript NM_001198800.3 (MANE Select); coding-DNA positions 380 to 381, 2 bases deleted (TT; older notation c.380_381delTT).
Protein change: p.Phe127fs; shifts the reading frame from phenylalanine 127.
Molecular consequence: frameshift variant. On other transcripts: non-coding transcript variant (1).
Genome position (GRCh38, 1-based): chr10:72,196,919-72,196,920, AA deleted on the plus strand (TT on the coding strand, the reverse complement: ASCC1 is on the minus strand); deleting any 2 consecutive bases within chr10:72,196,919-72,196,922 gives the same sequence; the c. name uses the placement nearest the transcript's 3' end. VCF-style (leftmost placement, unchanged base first): chr10-72196918-GAA-G. GRCh37 (hg19) VCF-style: chr10-73956676-GAA-G.
Other names: c.380_381del, p.Phe127fs (NM_001198798.2, NM_001369087.1, NM_001369088.1 and 18 more transcripts); c.464_465del, p.Phe155fs (NM_001198799.3); c.446_447del, p.Phe149fs (NM_001369085.1, NM_001369086.1, NM_001369099.1); c.263_264del, p.Phe88fs (NM_001369101.1, NM_001369102.1, NM_001369105.1 and 2 more transcripts); short protein forms F127fs, F149fs, F155fs, F88fs.
Identifiers: ClinVar variation 3377590 (VCV003377590.1).

ClinVar aggregate classification (germline): Likely pathogenic (1 of 4 stars; one submission).

Conditions:
Spinal muscular atrophy with congenital bone fractures 2 (SMABF2). Identifiers: MedGen C4225176, MONDO:0014807, OMIM 616867.

Submission:

Neuberg Centre For Genomic Medicine, NCGM
Classification: Likely pathogenic for Spinal muscular atrophy with congenital bone fractures 2. Last evaluated: 2023-06-22. Review status: criteria provided, single submitter. Criteria: ACMG Guidelines, 2015. Collection method: clinical testing. Allele origin: germline. Inheritance: Autosomal recessive inheritance. Affected: yes.
Comment: The observed frameshift c.380_381del(p.Phe127SerfsTer16) variant in ASCC1 gene has not been reported previously as a pathogenic variant nor as a benign variant, to our knowledge. The p.Phe127SerfsTer16 variant is novel (not in any individuals) in gnomAD Exomes database. This variant has not been reported to the ClinVar database. This variant causes a frameshift starting with codon Phenylalanine 127, changes this amino acid to Serine residue, and creates a premature Stop codon at position 16 of the new reading frame, denoted p.Phe127SerfsTer16. This variant is predicted to cause loss of normal protein function through protein truncation. Loss of function variants have been previously reported to be disease causing. For these reasons, this variant has been classified as Likely Pathogenic.